The following is an entry in ClinVar:

ClinVar aggregate classification (germline): Uncertain significance (1 of 4 stars; one submission).

Allele frequency attached by ClinVar (database versions not stated): gnomAD 0.00005; TOPMed 0.00006; ExAC 0.00013; 1000 Genomes Project 30x 0.00016; 1000 Genomes Project 0.00020.
gnomAD v4.1: 154 of 1,614,190 alleles (0.0095%); highest among the groups gnomAD compares: East Asian, 0.33%; 1 homozygote.

Submission:

Labcorp Genetics (formerly Invitae), Labcorp
Classification: Uncertain significance. Last evaluated: 2025-01-21. Review status: criteria provided, single submitter. Criteria: Invitae Variant Classification Sherloc (09022015). Collection method: clinical testing. Allele origin: germline.
Comment: This sequence change replaces lysine, which is basic and polar, with asparagine, which is neutral and polar, at codon 132 of the RIPK1 protein (p.Lys132Asn). This variant is present in population databases (rs199932915, gnomAD 0.1%). This variant has not been reported in the literature in individuals affected with RIPK1-related conditions. ClinVar contains an entry for this variant (Variation ID: 2889209). An algorithm developed to predict the effect of missense changes on protein structure and function (PolyPhen-2) suggests that this variant is likely to be tolerated. In summary, the available evidence is currently insufficient to determine the role of this variant in disease. Therefore, it has been classified as a Variant of Uncertain Significance.

NM_001354930.2(RIPK1):c.396A>C (p.Lys132Asn)

Gene: RIPK1 (receptor interacting serine/threonine kinase 1; plus strand). Cytogenetic location: 6p25.2.
Variant type: single nucleotide variant.
Coding change: c.396A>C on transcript NM_001354930.2 (MANE Select); coding-DNA position 396, A replaced by C.
Protein change: p.Lys132Asn; replaces lysine 132 with asparagine.
Molecular consequence: missense variant. On other transcripts: 5 prime UTR variant (4), intron variant (1).
Genome position (GRCh38, 1-based): chr6:3,081,053, A>C. VCF-style: chr6-3081053-A-C. GRCh37 (hg19) VCF-style: chr6-3081287-A-C.
Other names: c.-208A>C (NM_001317061.3, NM_001354932.2, NM_001354933.2 and 1 more transcripts); c.396A>C, p.Lys132Asn (NM_003804.6); c.322-2032A>C (NM_001354931.2); short protein forms K132N.
Identifiers: ClinVar variation 2889209 (VCV002889209.3), dbSNP rs199932915, ClinGen allele CA3618173.